The following is an entry in ClinVar:

ClinVar aggregate classification (germline): Uncertain significance (1 of 4 stars; one submission).

Conditions:
Saldino-Mainzer syndrome (SRTD9). Also called: Renal dysplasia, retinal pigmentary dystrophy, cerebellar ataxia and skeletal dysplasia; CONORENAL SYNDROME; SHORT-RIB THORACIC DYSPLASIA 9 WITHOUT POLYDACTYLY; short-rib thoracic dysplasia 9 with or without polydactyly. Identifiers: Orphanet 140969, MedGen C1849437, MONDO:0009964, OMIM 266920.

Allele frequency attached by ClinVar (database versions not stated): gnomAD exomes below 0.00001; TOPMed below 0.00001; gnomAD 0.00001.

Submission:

Labcorp Genetics (formerly Invitae), Labcorp
Classification: Uncertain significance for Saldino-Mainzer syndrome. Last evaluated: 2022-06-20. Review status: criteria provided, single submitter. Criteria: Invitae Variant Classification Sherloc (09022015). Collection method: clinical testing. Allele origin: germline.
Comment: This sequence change affects codon 701 of the IFT140 mRNA. It is a 'silent' change, meaning that it does not change the encoded amino acid sequence of the IFT140 protein. This variant is not present in population databases (gnomAD no frequency). This variant has not been reported in the literature in individuals affected with IFT140-related conditions. Algorithms developed to predict the effect of sequence changes on RNA splicing suggest that this variant may disrupt the consensus splice site. In summary, the available evidence is currently insufficient to determine the role of this variant in disease. Therefore, it has been classified as a Variant of Uncertain Significance.

NM_014714.4(IFT140):c.2103A>G (p.Glu701=)

Gene: IFT140 (intraflagellar transport 140; minus strand). Cytogenetic location: 16p13.3.
Variant type: single nucleotide variant.
Coding change: c.2103A>G on transcript NM_014714.4 (MANE Select); coding-DNA position 2103, A replaced by G.
Protein change: p.Glu701=; no amino-acid change (glutamic acid 701 retained).
Molecular consequence: synonymous variant.
Genome position (GRCh38, 1-based): chr16:1,562,081, T>C on the plus strand (A>G on the coding strand, the complement: IFT140 is on the minus strand). VCF-style: chr16-1562081-T-C. GRCh37 (hg19) VCF-style: chr16-1612082-T-C.
Identifiers: ClinVar variation 1519911 (VCV001519911.8), dbSNP rs1567373288, ClinGen allele CA492922885.